The following is an entry in ClinVar:

NM_017780.4(CHD7):c.1687C>G (p.Leu563Val)

Genes: CHD7 (chromodomain helicase DNA binding protein 7; plus strand), LOC126860403 (CDK7 strongly-dependent group 2 enhancer GRCh37_chr8:61693034-61694233; plus strand). Cytogenetic location: 8q12.2.
Variant type: single nucleotide variant.
Coding change: c.1687C>G on transcript NM_017780.4 (MANE Select); coding-DNA position 1687, C replaced by G.
Protein change: p.Leu563Val; replaces leucine 563 with valine.
Molecular consequence: missense variant.
Genome position (GRCh38, 1-based): chr8:60,781,021, C>G. VCF-style: chr8-60781021-C-G. GRCh37 (hg19) VCF-style: chr8-61693580-C-G.
Other names: c.1687C>G, p.Leu563Val (NM_001316690.1); short protein forms L563V.
Identifiers: ClinVar variation 2658617 (VCV002658617.24), dbSNP rs2487536392, ClinGen allele CA371311278.

ClinVar aggregate classification (germline): Uncertain significance (1 of 4 stars; one submission).

Submission:

CeGaT Center for Human Genetics Tuebingen
Classification: Uncertain significance. Last evaluated: 2023-05-01. Review status: criteria provided, single submitter. Criteria: CeGaT Center For Human Genetics Tuebingen Variant Classification Criteria Version 2. Collection method: clinical testing. Allele origin: germline. Affected: yes. Observed: 1 variant allele.
Comment: CHD7: PM2